The following continues an entry in ClinVar:

NM_001042492.3(NF1):c.5305C>T (p.Arg1769Ter)

Gene: NF1. ClinVar aggregate classification (germline): Pathogenic. Pathogenic (24).

Submissions 14 to 26 of 26:

GeneDx
Classification: Pathogenic. Last evaluated: 2022-02-02. Review status: criteria provided, single submitter. Criteria: GeneDx Variant Classification Process June 2021. Collection method: clinical testing. Allele origin: germline. Affected: yes.
Comment: Nonsense variant predicted to result in protein truncation or nonsense mediated decay in a gene for which loss-of-function is a known mechanism of disease; Not observed at significant frequency in large population cohorts (gnomAD); This variant is associated with the following publications: (PMID: 27862945, 22155606, 15627836, 10712197, 31730495, 31717729, 32860008, 25525159, 12807981, 12112660, 19221814, 18546366, 20015894, 20605257, 23244495, 21031597, 10980545, 16944272, 12746402, 19292874, 8069310, 27838393, 28955729, 10090487, 30530636, 33372952, 31776437, 34694046, 33332384)

Mayo Clinic Laboratories, Mayo Clinic
Classification: Pathogenic. Last evaluated: 2021-12-21. Review status: criteria provided, single submitter. Criteria: ACMG Guidelines, 2015. Collection method: clinical testing. Allele origin: germline.
Comment: PP4, PM2, PVS1

Institute of Medical Genetics and Applied Genomics, University Hospital Tübingen
Classification: Pathogenic. Last evaluated: 2021-06-17. Review status: criteria provided, single submitter. Criteria: ACMG Guidelines, 2015. Collection method: clinical testing. Allele origin: germline. Inheritance: Autosomal dominant inheritance. Affected: yes.

Genome Diagnostics Laboratory, The Hospital for Sick Children
Classification: Pathogenic for Neurofibromatosis, type 1. Last evaluated: 2020-10-26. Review status: criteria provided, single submitter. Criteria: ACMG Guidelines, 2015. Collection method: clinical testing. Allele origin: germline. Affected: yes.

Institute of Human Genetics, University of Leipzig Medical Center
Classification: Pathogenic for Neurofibromatosis, type 1. Last evaluated: 2019-01-01. Review status: criteria provided, single submitter. Criteria: ACMG Guidelines, 2015. Collection method: clinical testing. Allele origin: unknown. Affected: yes.

ARUP Laboratories, Molecular Genetics and Genomics, ARUP Laboratories
Classification: Pathogenic. Last evaluated: 2017-10-12. Review status: criteria provided, single submitter. Criteria: ARUP Molecular Germline Variant Investigation Process. Collection method: clinical testing. Allele origin: germline.
Comment: The NF1 c.5305C>T, p.Arg1769Ter variant (rs876657714) has been reported in multiple patients diagnosed with neurofibromatosis type I (Fahsold 2000, Girodon-Boulandet 2000, Peters 1999). It is listed as pathogenic in ClinVar (Variation ID: 228381), and not observed in the general population databases (1000 Genomes Project, Exome Variant Server, Genome Aggregation Database). The variant introduces a premature termination codon, and is predicted to result in a truncated protein or an absent transcript. Based on the above information, the p.Arg1769Ter variant is classified as pathogenic. References: Fahsold R et al. Minor lesion mutational spectrum of the entire NF1 gene does not explain its high mutability but points to a functional domain upstream of the GAP-related domain. Am J Hum Genet. 2000; 66(3):790-818. Girodon-Boulandet E et al. NF1 gene analysis focused on CpG-rich exons in a cohort of 93 patients with neurofibromatosis type 1. Hum Mutat. 2000; 16(3):274-5. Peters H et al. Mutation screening of neurofibromatosis type 1 (NF1) exons 28 and 29 with single strand conformation polymorphism (SSCP): five novel mutations, one recurrent transition and two polymorphisms in a panel of 118 unrelated NF1 patients. Hum Mutat. 1999; 13(3):258.

Center for Human Genetics, Inc
Classification: Pathogenic for Neurofibromatosis, type 1. Last evaluated: 2016-11-01. Review status: criteria provided, single submitter. Criteria: ACMG Guidelines, 2015. Collection method: clinical testing. Allele origin: germline. Affected: yes.

Laboratory for Molecular Medicine, Mass General Brigham Personalized Medicine
Classification: Pathogenic for Neurofibromatosis, type 1. Last evaluated: 2016-01-12. Review status: criteria provided, single submitter. Criteria: LMM Criteria. Collection method: clinical testing. Allele origin: germline. Inheritance: Autosomal dominant inheritance. Observed: 1 variant allele.
Comment: The p.Arg1769X variant in NF1 (NM_001042492.2) has been identified in 12 individ uals with NF1 and segregated with disease in 2 affected relatives (reported as p .Arg1748X on NM_000267.3 in the following: Valero 1994, Peters 1999, Fashold 200 0, Girodon-Boulandet 2000, Origone 2002, Raponi 2009, Sabbagh 2013). It was abse nt from large population studies. This nonsense variant leads to a premature ter mination codon at position 1769, which is predicted to lead to a truncated or ab sent protein. Heterozygous loss of function of the NF1 gene is an established d isease mechanism in NF1. In summary, this variant meets our criteria to be class ified as pathogenic for NF1 in an autosomal dominant manner based upon multiple affected probands, absence from controls, and predicted impact on the protein.

CENTOGENE GmbH and LLC - Guiding Precision Medicine
Classification: Pathogenic for Neurofibromatosis, type 1. Review status: criteria provided, single submitter. Criteria: ACMG Guidelines, 2015. Collection method: clinical testing. Allele origin: germline. Affected: yes.

Clinical Biomedical Laboratory, Shriners Hospital For Children - Canada
Classification: Pathogenic for Neurofibromatosis, type 1. Review status: criteria provided, single submitter. Criteria: ACMG Guidelines, 2015. Collection method: clinical testing. Allele origin: germline. Affected: yes.
Comment: This variant is predicted to substitute an arginine residue by a stop codon. This is expected to lead to degradation of the affected transcript and loss of function of the affected allele. Loss of function variants in NF1 are associated with neurofibromatosis 1. This variant is absent from the Genome Aggregation Database (v2.1.1.), indicating it is very rare. This variant is reported in ClinVar (Variation ID: 228381) as pathogenic from multiple submitters and has been reported as a cause of neurofibromatosis 1 in multiple publications (e.g., PMID 12807981). Based on the ACMG variant interpretation guidelines (criteria: PVS1, PS3, PM2, PP3), the available evidence supports classification of this variant as pathogenic.

Juno Genomics, Hangzhou Juno Genomics, Inc
Classification: Pathogenic for Neurofibromatosis, type 1. Review status: criteria provided, single submitter. Criteria: ACMG Guidelines, 2015. Collection method: clinical testing. Allele origin: germline. Affected: yes.
Comment: Absent from controls (or at extremely low frequency if recessive) in Genome Aggregation Database, Exome Sequencing Project, 1000 Genomes Project, or Exome Aggregation Consortium.;Null variant in a gene where loss of function (LOF) is a known mechanism of disease.;The prevalence of the variant in affected individuals is significantly increased compared to the prevalence in controls.;Patient's phenotype or family history is highly specific for a disease with a single genetic etiology.

Human Genome Sequencing Center Clinical Lab, Baylor College of Medicine
Classification: Pathogenic for Rhabdomyosarcoma. Last evaluated: 2020-09-01. Review status: no assertion criteria provided. Collection method: provider interpretation. Allele origin: germline. Affected: yes. Not counted in ClinVar's aggregate classification.

Laboratory of Urology, Hospital Clinic de Barcelona
Classification: Pathogenic for Malignant tumor of urinary bladder. Review status: no assertion criteria provided. Collection method: research. Allele origin: somatic. Affected: yes. Not counted in ClinVar's aggregate classification.

Literature cited by the submitters: PubMed 10712197 (cited by 4 submitters); PubMed 23913538 (cited by Labcorp Genetics (formerly Invitae), Labcorp and Laboratory for Molecular Medicine, Mass General Brigham Personalized Medicine); PubMed 8069310 (cited by 6 submitters); PubMed 12746402 (cited by 3 submitters); PubMed 12807981 (cited by 3 submitters); PubMed 16944272 (cited by Labcorp Genetics (formerly Invitae), Labcorp and Mayo Clinic Laboratories, Mayo Clinic); PubMed 19221814 (cited by Labcorp Genetics (formerly Invitae), Labcorp); PubMed 20301288 (cited by Victorian Clinical Genetics Services, Murdoch Childrens Research Institute); PubMed 15627836 (cited by Ambry Genetics); PubMed 27862945 (cited by Ambry Genetics); PubMed 19292874 (cited by Athena Diagnostics and Laboratory for Molecular Medicine, Mass General Brigham Personalized Medicine); PubMed 20015894 (cited by Athena Diagnostics); PubMed 30014477 (cited by Athena Diagnostics); PubMed 27838393 (cited by Athena Diagnostics); PubMed 34694046 (cited by Athena Diagnostics); PubMed 32107864 (cited by Athena Diagnostics); PubMed 10090487 (cited by Laboratory for Molecular Medicine, Mass General Brigham Personalized Medicine); PubMed 10980545 (cited by Laboratory for Molecular Medicine, Mass General Brigham Personalized Medicine); PubMed 12112660 (cited by Laboratory for Molecular Medicine, Mass General Brigham Personalized Medicine); PubMed 32860008 (cited by CENTOGENE GmbH and LLC - Guiding Precision Medicine).